The following is an entry in ClinVar:

NM_001374828.1(ARID1B):c.5468A>G (p.Glu1823Gly)

Gene: ARID1B (AT-rich interaction domain 1B; plus strand). Cytogenetic location: 6q25.3.
Variant type: single nucleotide variant.
Coding change: c.5468A>G on transcript NM_001374828.1 (MANE Select); coding-DNA position 5468, A replaced by G.
Protein change: p.Glu1823Gly; replaces glutamic acid 1823 with glycine.
Molecular consequence: missense variant.
Genome position (GRCh38, 1-based): chr6:157,206,240, A>G. VCF-style: chr6-157206240-A-G. GRCh37 (hg19) VCF-style: chr6-157527374-A-G.
Other names: c.5099A>G, p.Glu1700Gly (NM_020732.3); c.2969A>G, p.Glu990Gly (NM_001363725.2); c.5348A>G, p.Glu1783Gly (NM_001371656.1, NM_001374820.1); c.5309A>G, p.Glu1770Gly (NM_017519.3); short protein forms E1700G, E990G, E1770G, E1783G, E1823G.
Identifiers: ClinVar variation 588324 (VCV000588324.17), dbSNP rs149841055, ClinGen allele CA4067836.

ClinVar aggregate classification (germline): Benign/Likely benign. Review status: criteria provided, multiple submitters, no conflicts (2 of 4 stars). 6 submissions from 6 submitters: Benign (3); Likely benign (2). 1 of the submissions does not count toward it. Last evaluated 2025-09-09.

Conditions:
Inborn genetic diseases. Identifiers: MedGen C0950123, MeSH D030342.
Coffin-Siris syndrome 1 (CSS1). Also called: ARID1B-Related Coffin-Siris Syndrome; Mental retardation, autosomal dominant 12. Identifiers: Orphanet 1465, MedGen C3281201, MONDO:0007617, OMIM 135900. Disease mechanism: gain of function.
ARID1B-Related Disorder. Identifiers: MedGen CN381337.

Allele frequency attached by ClinVar (database versions not stated): gnomAD exomes 0.00007 and 0.00022; ExAC 0.00025; gnomAD 0.00071 and 0.00081; ESP Exome Variant Server 0.00077; TOPMed 0.00090; 1000 Genomes Project 30x 0.00094; 1000 Genomes Project 0.00120.
gnomAD v4.1: 217 of 1,614,204 alleles (0.013%); highest among the groups gnomAD compares: African/African-American, 0.26%; 2 homozygotes.

Submissions (6):

Labcorp Genetics (formerly Invitae), Labcorp
Classification: Benign. Last evaluated: 2025-09-09. Review status: criteria provided, single submitter. Criteria: Invitae Variant Classification Sherloc (09022015). Collection method: clinical testing. Allele origin: germline.

Blueprint Genetics
Classification: Likely benign. Last evaluated: 2024-06-05. Review status: criteria provided, single submitter. Criteria: ACMG Guidelines, 2015. Collection method: clinical testing. Allele origin: germline.

Genome-Nilou Lab
Classification: Benign for Coffin-Siris syndrome 1. Last evaluated: 2021-07-15. Review status: criteria provided, single submitter. Criteria: ACMG Guidelines, 2015. Collection method: clinical testing. Allele origin: germline. Affected: no.

GeneDx
Classification: Benign. Last evaluated: 2019-06-06. Review status: criteria provided, single submitter. Criteria: GeneDx Variant Classification Process June 2021. Collection method: clinical testing. Allele origin: germline. Affected: yes.

Ambry Genetics
Classification: Likely benign for Inborn genetic diseases. Last evaluated: 2018-06-25. Review status: criteria provided, single submitter. Criteria: Ambry Variant Classification Scheme 2023. Collection method: clinical testing. Allele origin: germline.

PreventionGenetics, part of Exact Sciences
Classification: Likely benign for ARID1B-related condition. Last evaluated: 2024-02-06. Review status: no assertion criteria provided. Collection method: clinical testing. Allele origin: germline. Not counted in ClinVar's aggregate classification.
Comment: This variant is classified as likely benign based on ACMG/AMP sequence variant interpretation guidelines (Richards et al. 2015 PMID: 25741868, with internal and published modifications).